The following is an entry in ClinVar:

NM_003672.4(CDC14A):c.612T>A (p.Tyr204Ter)

Gene: CDC14A (cell division cycle 14A; plus strand). Cytogenetic location: 1p21.2.
Variant type: single nucleotide variant.
Coding change: c.612T>A on transcript NM_003672.4 (MANE Select); coding-DNA position 612, T replaced by A.
Protein change: p.Tyr204Ter; replaces tyrosine 204 with a stop codon.
Molecular consequence: nonsense. On other transcripts: 5 prime UTR variant (1).
Genome position (GRCh38, 1-based): chr1:100,462,655, T>A. VCF-style: chr1-100462655-T-A. GRCh37 (hg19) VCF-style: chr1-100928211-T-A.
Other names: c.612T>A, p.Tyr204Ter (NM_001319210.2, NM_033312.3, NM_033313.3); c.438T>A, p.Tyr146Ter (NM_001319211.2); c.-268T>A (NM_001319212.2); short protein forms Y146*, Y204*.
Identifiers: ClinVar variation 2811591 (VCV002811591.3), dbSNP rs2524330554, ClinGen allele CA341356882.

ClinVar aggregate classification (germline): Pathogenic (1 of 4 stars; one submission).

Submission:

Labcorp Genetics (formerly Invitae), Labcorp
Classification: Pathogenic. Last evaluated: 2022-11-02. Review status: criteria provided, single submitter. Criteria: Invitae Variant Classification Sherloc (09022015). Collection method: clinical testing. Allele origin: germline.
Comment: For these reasons, this variant has been classified as Pathogenic. This variant has not been reported in the literature in individuals affected with CDC14A-related conditions. This variant is not present in population databases (gnomAD no frequency). This sequence change creates a premature translational stop signal (p.Tyr204*) in the CDC14A gene. It is expected to result in an absent or disrupted protein product. Loss-of-function variants in CDC14A are known to be pathogenic (PMID: 27259055).

Literature cited by the submitters: PubMed 27259055.